The following is an entry in ClinVar:

ClinVar aggregate classification (germline): Uncertain significance (1 of 4 stars; one submission).

Allele frequency attached by ClinVar (database versions not stated): gnomAD exomes below 0.00001; TOPMed below 0.00001; gnomAD 0.00001.
gnomAD v4.1: 4 of 1,613,698 alleles (0.00025%); highest among the groups gnomAD compares: Non-Finnish European, 0.00034%; no homozygotes.

Submission:

Labcorp Genetics (formerly Invitae), Labcorp
Classification: Uncertain significance. Last evaluated: 2023-10-10. Review status: criteria provided, single submitter. Criteria: Invitae Variant Classification Sherloc (09022015). Collection method: clinical testing. Allele origin: germline.
Comment: This sequence change replaces glycine, which is neutral and non-polar, with aspartic acid, which is acidic and polar, at codon 1029 of the ERBB2 protein (p.Gly1029Asp). This variant is present in population databases (no rsID available, gnomAD 0.003%). This variant has not been reported in the literature in individuals affected with ERBB2-related conditions. Advanced modeling of protein sequence and biophysical properties (such as structural, functional, and spatial information, amino acid conservation, physicochemical variation, residue mobility, and thermodynamic stability) performed at Invitae indicates that this missense variant is not expected to disrupt ERBB2 protein function. Algorithms developed to predict the effect of sequence changes on RNA splicing suggest that this variant may disrupt the consensus splice site. In summary, the available evidence is currently insufficient to determine the role of this variant in disease. Therefore, it has been classified as a Variant of Uncertain Significance.

NM_004448.4(ERBB2):c.3086G>A (p.Gly1029Asp)

Gene: ERBB2 (erb-b2 receptor tyrosine kinase 2; plus strand). Cytogenetic location: 17q12.
Variant type: single nucleotide variant.
Coding change: c.3086G>A on transcript NM_004448.4 (MANE Select); coding-DNA position 3086, G replaced by A.
Protein change: p.Gly1029Asp; replaces glycine 1029 with aspartic acid.
Molecular consequence: missense variant. On other transcripts: non-coding transcript variant (1), intron variant (2).
Genome position (GRCh38, 1-based): chr17:39,726,930, G>A. VCF-style: chr17-39726930-G-A. GRCh37 (hg19) VCF-style: chr17-37883183-G-A.
Other names: c.3116G>A, p.Gly1039Asp (NM_001382788.1); c.3107G>A, p.Gly1036Asp (NM_001382789.1); c.3083G>A, p.Gly1028Asp (NM_001382790.1); c.3077G>A, p.Gly1026Asp (NM_001382791.1); c.2987G>A, p.Gly996Asp (NM_001382797.1); c.2930G>A, p.Gly977Asp (NM_001382798.1); c.2906G>A, p.Gly969Asp (NM_001382799.1); c.2900G>A, p.Gly967Asp (NM_001382800.1); and 16 more; short protein forms G1039D, G943D, G961D, G969D, G977D, G1013D, G1054D, G1056D.
Identifiers: ClinVar variation 2903978 (VCV002903978.3), dbSNP rs1395420735, ClinGen allele CA399309611.